The following is an entry in ClinVar:

NM_024537.3(CARS2):c.[649_651delGAG];[752C>T]

Variant type: CompoundHeterozygote.
Identifiers: ClinVar variation 424709 (VCV000424709.3).

ClinVar aggregate classification (germline): Pathogenic (1 of 4 stars; one submission).

Conditions:
Alpers encephalopathy. Identifiers: MedGen CN221139.

Submission:

Shaikh Laboratory, University of Colorado
Classification: Pathogenic for Alpers encephalopathy. Last evaluated: 2014-01-17. Review status: criteria provided, single submitter. Criteria: CARS2 assertion criteria. Collection method: research. Allele origin: germline. Inheritance: Autosomal recessive inheritance. Affected: yes. Observed: 1 variant allele, 1 compound heterozygote.
Comment: A combined deficiency of mitochondrial complexes I, III, and IV was noted in liver tissue, along with increased mitochondrial DNA content in skeletal muscle. Incomplete assembly of complex V was noted on blue native polyacrylamide gel electrophoretic (BN-PAGE) analysis in skeletal muscle and skin fibroblasts.